The following is an entry in ClinVar:

NM_020989.4(CRYGC):c.425G>A (p.Arg142Gln)

Genes: CRYGC (crystallin gamma C; minus strand), LOC100507443 (uncharacterized LOC100507443; plus strand). Cytogenetic location: 2q33.3.
Variant type: single nucleotide variant.
Coding change: c.425G>A on transcript NM_020989.4 (MANE Select); coding-DNA position 425, G replaced by A.
Protein change: p.Arg142Gln; replaces arginine 142 with glutamine.
Molecular consequence: missense variant.
Genome position (GRCh38, 1-based): chr2:208,128,303, C>T on the plus strand (G>A on the coding strand, the complement: CRYGC is on the minus strand). VCF-style: chr2-208128303-C-T. GRCh37 (hg19) VCF-style: chr2-208993027-C-T.
Other names: short protein forms R142Q.
Identifiers: ClinVar variation 4754405 (VCV004754405.1).

ClinVar aggregate classification (germline): Uncertain significance (1 of 4 stars; one submission).

Conditions:
Nuclear pulverulent cataract (CTRCT2). Identifiers: MedGen C1852438, HP:0010698.

gnomAD v4.1: 31 of 1,614,112 alleles (0.0019%); highest among the groups gnomAD compares: South Asian, 0.0044%; no homozygotes.

Submission:

Labcorp Genetics (formerly Invitae), Labcorp
Classification: Uncertain significance for Nuclear pulverulent cataract. Last evaluated: 2025-09-21. Review status: criteria provided, single submitter. Criteria: Invitae Variant Classification Sherloc (09022015). Collection method: clinical testing. Allele origin: germline.
Comment: This sequence change replaces arginine, which is basic and polar, with glutamine, which is neutral and polar, at codon 142 of the CRYGC protein (p.Arg142Gln). This variant is present in population databases (rs764781357, gnomAD 0.004%). This variant has not been reported in the literature in individuals affected with CRYGC-related conditions. An algorithm developed to predict the effect of missense changes on protein structure and function outputs the following: PolyPhen-2: "Benign". The glutamine amino acid residue is found in multiple mammalian species, which suggests that this missense change does not adversely affect protein function. In summary, the available evidence is currently insufficient to determine the role of this variant in disease. Therefore, it has been classified as a Variant of Uncertain Significance.